The following is an entry in ClinVar:

ClinVar aggregate classification (germline): Benign (1 of 4 stars; one submission).

Allele frequency attached by ClinVar (database versions not stated): gnomAD 0.06099 and 0.06518; 1000 Genomes Project 0.06909; TOPMed 0.07010; 1000 Genomes Project 30x 0.07480.
gnomAD v4.1: 9,178 of 151,840 alleles (6%); highest among the groups gnomAD compares: African/African-American, 21%; 915 homozygotes.

Submission:

GeneDx
Classification: Benign. Last evaluated: 2018-06-19. Review status: criteria provided, single submitter. Criteria: GeneDx Variant Classification (06012015). Collection method: clinical testing. Allele origin: germline. Affected: yes.
Comment: This variant is considered likely benign or benign based on one or more of the following criteria: it is a conservative change, it occurs at a poorly conserved position in the protein, it is predicted to be benign by multiple in silico algorithms, and/or has population frequency not consistent with disease.

NM_213599.3(ANO5):c.88-281C>A

Gene: ANO5 (anoctamin 5; plus strand). Cytogenetic location: 11p14.3.
Variant type: single nucleotide variant.
Coding change: c.88-281C>A on transcript NM_213599.3 (MANE Select); 281 bases into the intron before coding-DNA position 88, C replaced by A.
Molecular consequence: intron variant.
Genome position (GRCh38, 1-based): chr11:22,210,983, C>A. VCF-style: chr11-22210983-C-A. GRCh37 (hg19) VCF-style: chr11-22232529-C-A.
Other names: c.88-284C>A (NM_001142649.2).
Identifiers: ClinVar variation 674196 (VCV000674196.1), dbSNP rs75162101, ClinGen allele CA218768004.